The following is an entry in ClinVar:

NM_001563.4(IMPG1):c.2044+4A>G

Gene: IMPG1 (interphotoreceptor matrix proteoglycan 1; minus strand). Cytogenetic location: 6q14.1.
Variant type: single nucleotide variant.
Coding change: c.2044+4A>G on transcript NM_001563.4 (MANE Select); 4 bases into the intron after coding-DNA position 2044, A replaced by G.
Molecular consequence: intron variant.
Genome position (GRCh38, 1-based): chr6:75,947,310, T>C on the plus strand (A>G on the coding strand, the complement: IMPG1 is on the minus strand). VCF-style: chr6-75947310-T-C. GRCh37 (hg19) VCF-style: chr6-76657027-T-C.
Other names: c.1810+4A>G (NM_001282368.2); c.2044+4A>G (NM_001563.3).
Identifiers: ClinVar variation 1140606 (VCV001140606.11), dbSNP rs201823141, ClinGen allele CA3897973.
Genomic context (GRCh38, chr6:75,947,310, plus strand): 5'-AACAGAACGAAATTAAAAAAATGAACAAAACATCTCTACCACTTTCTGGGTTGGATTCTT[T>C]TACCTGGTTCAATGTTGAGAGAGTAGCTGTCTATTTCCAGATGGAGTTGTTGGGCTGCAG-3'

ClinVar aggregate classification (germline): Likely benign. Review status: criteria provided, multiple submitters, no conflicts (2 of 4 stars). 3 submissions from 3 submitters: Likely benign (3). Last evaluated 2025-10-26.

Conditions:
IMPG1-related disorder. Also called: IMPG1-related condition.

Allele frequency attached by ClinVar (database versions not stated): gnomAD 0.00005; TOPMed 0.00011; gnomAD exomes 0.00014 and 0.00029; 1000 Genomes Project 30x 0.00016; ExAC 0.00019; 1000 Genomes Project 0.00020.
gnomAD v4.1: 90 of 1,609,330 alleles (0.0056%); highest among the groups gnomAD compares: Admixed American, 0.15%; no homozygotes.

Submissions (3):

Labcorp Genetics (formerly Invitae), Labcorp
Classification: Likely benign. Last evaluated: 2025-10-26. Review status: criteria provided, single submitter. Criteria: Invitae Variant Classification Sherloc (09022015). Collection method: clinical testing. Allele origin: germline.

PreventionGenetics, part of Exact Sciences
Classification: Likely benign for IMPG1-related condition. Last evaluated: 2025-01-15. Review status: criteria provided, single submitter. Criteria: ACMG Guidelines, 2015. Collection method: clinical testing. Allele origin: germline.
Comment: This variant is classified as likely benign based on ACMG/AMP sequence variant interpretation guidelines (Richards et al. 2015 PMID: 25741868, with internal and published modifications).

Blueprint Genetics
Classification: Likely benign. Last evaluated: 2024-01-11. Review status: criteria provided, single submitter. Criteria: ACMG Guidelines, 2015. Collection method: clinical testing. Allele origin: germline.